The following is an entry in ClinVar:

NM_001289080.2(CNTN6):c.1253dup (p.Ser419fs)

Gene: CNTN6 (contactin 6; plus strand). Cytogenetic location: 3p26.3.
Variant type: Duplication.
Coding change: c.1253dup on transcript NM_001289080.2 (MANE Select); coding-DNA position 1253, one base duplicated (A; older notation c.1253dupA).
Protein change: p.Ser419fs; shifts the reading frame from serine 419.
Molecular consequence: frameshift variant.
Genome position (GRCh38, 1-based): chr3:1,329,824, A duplicated; the last of 8 consecutive A bases (chr3:1,329,817-1,329,824); duplicating any one gives the same sequence. VCF-style (leftmost placement, unchanged base first): chr3-1329816-T-TA. GRCh37 (hg19) VCF-style: chr3-1371500-T-TA.
Other names: c.1037dup, p.Ser347fs (NM_001289081.2); c.1253dup, p.Ser419fs (NM_001349350.2, NM_001349351.2, NM_001349352.2 and 4 more transcripts); c.1145dup, p.Ser383fs (NM_001349356.2); c.941dup, p.Ser315fs (NM_001349357.2); c.698dup, p.Ser234fs (NM_001349358.2); c.131dup, p.Ser45fs (NM_001349359.2, NM_001349360.2, NM_001349361.2 and 1 more transcripts); short protein forms S315fs, S347fs, S45fs, S234fs, S419fs, S383fs.
Identifiers: ClinVar variation 4984988 (VCV004984988.1).

ClinVar aggregate classification (germline): Uncertain significance (1 of 4 stars; one submission).

Conditions:
CNTN6-related disorder. Also called: CNTN6-related condition.

Submission:

PreventionGenetics, part of Exact Sciences
Classification: Uncertain significance for CNTN6-related condition. Last evaluated: 2025-12-18. Review status: criteria provided, single submitter. Criteria: ACMG Guidelines, 2015. Collection method: clinical testing. Allele origin: germline.
Comment: The CNTN6 c.1253dupA variant is predicted to result in a frameshift and premature protein termination (p.Ser419Valfs*33). To our knowledge, this variant has not been reported in the literature. This variant is reported in 0.011% of alleles in individuals of South Asian descent in gnomAD, which may be too common to be causative. Although we suspect that this variant may be benign, at this time, the clinical significance of this variant is uncertain due to the absence of conclusive functional and genetic evidence.